The following is an entry in ClinVar:

NM_017777.4(MKS1):c.199C>T (p.Arg67Cys)

Gene: MKS1 (MKS transition zone complex subunit 1; minus strand). Cytogenetic location: 17q22.
Variant type: single nucleotide variant.
Coding change: c.199C>T on transcript NM_017777.4 (MANE Select); coding-DNA position 199, C replaced by T.
Protein change: p.Arg67Cys; replaces arginine 67 with cysteine.
Molecular consequence: missense variant. On other transcripts: 5 prime UTR variant (1).
Genome position (GRCh38, 1-based): chr17:58,216,728, G>A on the plus strand (C>T on the coding strand, the complement: MKS1 is on the minus strand). VCF-style: chr17-58216728-G-A. GRCh37 (hg19) VCF-style: chr17-56294089-G-A.
Other names: c.-313C>T (NM_001321268.2); c.199C>T, p.Arg67Cys (NM_001321269.2, NM_001330397.2); short protein forms R67C.
Identifiers: ClinVar variation 461763 (VCV000461763.20), dbSNP rs200340896, ClinGen allele CA8669607.

ClinVar aggregate classification (germline): Conflicting classifications of pathogenicity. Review status: criteria provided, conflicting classifications (1 of 4 stars). 6 submissions from 6 submitters: Uncertain significance (3); Likely benign (2). 1 of the submissions does not count toward it. Last evaluated 2026-06-26.

Conditions:
MKS1-related disorder. Also called: MKS1-related disorders; MKS1-related condition. Identifiers: MedGen CN239382.
Meckel-Gruber syndrome. Also called: GRUBER SYNDROME; Dysencephalia splachnocystica; DYSENCEPHALIA SPLANCHNOCYSTICA. Identifiers: Orphanet 564, MedGen C0265215, MONDO:0018921.
Joubert syndrome. Also called: JOUBERT-BOLTSHAUSER SYNDROME; Familial aplasia of the vermis. Identifiers: Orphanet 475, MedGen C5979921, MONDO:0018772.
Meckel syndrome, type 1 (MKS1). Also called: MECKEL-GRUBER SYNDROME, TYPE 1. Identifiers: Orphanet 564, MedGen C3714506, MONDO:0009571, OMIM 249000.

Allele frequency attached by ClinVar (database versions not stated): gnomAD exomes 0.00007 and 0.00012; ESP Exome Variant Server 0.00008; ExAC 0.00009; gnomAD 0.00013 and 0.00014; TOPMed 0.00015.
gnomAD v4.1: 132 of 1,613,964 alleles (0.0082%); highest among the groups gnomAD compares: Admixed American, 0.027%; no homozygotes.

Submissions (6):

PreventionGenetics, part of Exact Sciences
Classification: Uncertain significance for MKS1-related condition. Last evaluated: 2026-06-26. Review status: criteria provided, single submitter. Criteria: ACMG Guidelines, 2015. Collection method: clinical testing. Allele origin: germline.
Comment: The MKS1 c.199C>T variant is predicted to result in the amino acid substitution p.Arg67Cys. This variant, along with missense variants in other genes, has been reported with uncertain significance in an individual with congenital contractural arachnodactyly in whom a likely pathogenic variant in FBN2 was also found (Table 2, Li et al. 2023. PubMed ID: 36936417). This variant is reported in 0.087% of alleles in individuals of Ashkenazi Jewish descent in gnomAD. Although we suspect that this variant may be benign, at this time, the clinical significance of this variant is uncertain due to the absence of conclusive functional and genetic evidence.

Labcorp Genetics (formerly Invitae), Labcorp
Classification: Likely benign for Joubert syndrome; Meckel-Gruber syndrome. Last evaluated: 2026-01-24. Review status: criteria provided, single submitter. Criteria: Invitae Variant Classification Sherloc (09022015). Collection method: clinical testing. Allele origin: germline.

Blueprint Genetics
Classification: Likely benign. Last evaluated: 2024-07-09. Review status: criteria provided, single submitter. Criteria: ACMG Guidelines, 2015. Collection method: clinical testing. Allele origin: germline.

GeneDx
Classification: Uncertain significance. Last evaluated: 2022-09-15. Review status: criteria provided, single submitter. Criteria: GeneDx Variant Classification Process June 2021. Collection method: clinical testing. Allele origin: germline. Affected: yes.
Comment: In silico analysis supports that this missense variant does not alter protein structure/function; Has not been previously published as pathogenic or benign to our knowledge

Eurofins Ntd Llc (ga)
Classification: Uncertain significance. Last evaluated: 2017-08-22. Review status: criteria provided, single submitter. Criteria: EGL Classification Definitions 2015. Collection method: clinical testing. Allele origin: germline. Observed: 2 variant alleles, 2 heterozygotes.

Natera, Inc.
Classification: Uncertain significance for Meckel syndrome type 1. Last evaluated: 2020-01-17. Review status: no assertion criteria provided. Collection method: clinical testing. Allele origin: germline. Not counted in ClinVar's aggregate classification.